The following is an entry in ClinVar:

ClinVar aggregate classification (germline): Uncertain significance (1 of 4 stars; one submission).

Conditions:
Lethal multiple pterygium syndrome (LMPS). Identifiers: Orphanet 33108, MedGen C1854678, MONDO:0009668, OMIM 253290.

Allele frequency attached by ClinVar (database versions not stated): TOPMed below 0.00001; gnomAD exomes 0.00002 and 0.00003; ExAC 0.00007.
gnomAD v4.1: 23 of 1,613,782 alleles (0.0014%); highest among the groups gnomAD compares: Non-Finnish European, 0.0011%; no homozygotes.

Submission:

Labcorp Genetics (formerly Invitae), Labcorp
Classification: Uncertain significance for Lethal multiple pterygium syndrome. Last evaluated: 2020-10-27. Review status: criteria provided, single submitter. Criteria: Invitae Variant Classification Sherloc (09022015). Collection method: clinical testing. Allele origin: germline.
Comment: This sequence change replaces aspartic acid with glycine at codon 367 of the CHRND protein (p.Asp367Gly). The aspartic acid residue is weakly conserved and there is a moderate physicochemical difference between aspartic acid and glycine. This variant is present in population databases (rs770099656, ExAC 0.01%). This variant has not been reported in the literature in individuals with CHRND-related conditions. Advanced modeling of protein sequence and biophysical properties (such as structural, functional, and spatial information, amino acid conservation, physicochemical variation, residue mobility, and thermodynamic stability) performed at Invitae indicates that this missense variant is not expected to disrupt CHRND protein function. In summary, the available evidence is currently insufficient to determine the role of this variant in disease. Therefore, it has been classified as a Variant of Uncertain Significance.

NM_000751.3(CHRND):c.1100A>G (p.Asp367Gly)

Gene: CHRND (cholinergic receptor nicotinic delta subunit; plus strand). Cytogenetic location: 2q37.1.
Variant type: single nucleotide variant.
Coding change: c.1100A>G on transcript NM_000751.3 (MANE Select); coding-DNA position 1100, A replaced by G.
Protein change: p.Asp367Gly; replaces aspartic acid 367 with glycine.
Molecular consequence: missense variant.
Genome position (GRCh38, 1-based): chr2:232,533,983, A>G. VCF-style: chr2-232533983-A-G. GRCh37 (hg19) VCF-style: chr2-233398693-A-G.
Other names: c.1055A>G, p.Asp352Gly (NM_001256657.2); c.518A>G, p.Asp173Gly (NM_001311195.2); c.797A>G, p.Asp266Gly (NM_001311196.2); short protein forms D173G, D266G, D352G, D367G.
Identifiers: ClinVar variation 1003113 (VCV001003113.8), dbSNP rs770099656, ClinGen allele CA2168266.
Genomic context (GRCh38, chr2:232,533,983, plus strand): 5'-GGCCCCAGCTCTTCCTGGAGACCCTGCCGGAGCTCCTGCACATGTCCCGCCCAGCAGAGG[A>G]TGGACCCAGCCCTGGGGCCCTGGTGCGGAGGAGCAGCTCCCTGGGATACATCTCCAAGGC-3'
Protein context (NP_000742.1, residues 357-377): ELLHMSRPAE[Asp367Gly]GPSPGALVRR